The following is an entry in ClinVar:

ClinVar aggregate classification (germline): Likely benign. Review status: criteria provided, multiple submitters, no conflicts (2 of 4 stars). 5 submissions from 5 submitters: Likely benign (3). 2 of the submissions do not count toward it. Last evaluated 2025-12-16.

Conditions:
DHTKD1-related disorder. Also called: DHTKD1-related condition.
2-aminoadipic 2-oxoadipic aciduria (AAKAD). Also called: ALPHA-AMINOADIPIC AND ALPHA-KETOADIPIC ACIDURIA; Aminoadipic aciduria. Identifiers: Orphanet 79154, MedGen C1859817, MONDO:0008774, OMIM 204750.

Allele frequency attached by ClinVar (database versions not stated): ESP Exome Variant Server 0.00008; 1000 Genomes Project 30x 0.00016; 1000 Genomes Project 0.00020; TOPMed 0.00021; gnomAD exomes 0.00024; gnomAD 0.00025; ExAC 0.00029.
gnomAD v4.1: 559 of 1,613,094 alleles (0.035%); highest among the groups gnomAD compares: Non-Finnish European, 0.044%; 1 homozygote.

Submissions (5):

Labcorp Genetics (formerly Invitae), Labcorp
Classification: Likely benign for 2-aminoadipic 2-oxoadipic aciduria. Last evaluated: 2025-12-16. Review status: criteria provided, single submitter. Criteria: Invitae Variant Classification Sherloc (09022015). Collection method: clinical testing. Allele origin: germline.

PreventionGenetics, part of Exact Sciences
Classification: Likely benign for DHTKD1-related condition. Last evaluated: 2024-11-27. Review status: criteria provided, single submitter. Criteria: ACMG Guidelines, 2015. Collection method: clinical testing. Allele origin: germline.
Comment: This variant is classified as likely benign based on ACMG/AMP sequence variant interpretation guidelines (Richards et al. 2015 PMID: 25741868, with internal and published modifications).

ARUP Laboratories, Molecular Genetics and Genomics, ARUP Laboratories
Classification: Likely benign. Last evaluated: 2020-03-13. Review status: criteria provided, single submitter. Criteria: ARUP Molecular Germline Variant Investigation Process. Collection method: clinical testing. Allele origin: germline.

Clinical Genetics, Academic Medical Center
Classification: Likely benign. Review status: no assertion criteria provided. Collection method: clinical testing. Allele origin: germline. Affected: yes. Study: VKGL Data-share Consensus. Not counted in ClinVar's aggregate classification.

Genome Diagnostics Laboratory, University Medical Center Utrecht
Classification: Likely benign. Review status: no assertion criteria provided. Collection method: clinical testing. Allele origin: germline. Affected: yes. Study: VKGL Data-share Consensus. Not counted in ClinVar's aggregate classification.

NM_018706.7(DHTKD1):c.33G>A (p.Arg11=)

Gene: DHTKD1 (dehydrogenase E1 and transketolase domain containing 1; plus strand). Cytogenetic location: 10p14.
Variant type: single nucleotide variant.
Coding change: c.33G>A on transcript NM_018706.7 (MANE Select); coding-DNA position 33, G replaced by A.
Protein change: p.Arg11=; no amino-acid change (arginine 11 retained).
Molecular consequence: synonymous variant.
Genome position (GRCh38, 1-based): chr10:12,069,066, G>A. VCF-style: chr10-12069066-G-A. GRCh37 (hg19) VCF-style: chr10-12111065-G-A.
Identifiers: ClinVar variation 719446 (VCV000719446.22), dbSNP rs199768968, ClinGen allele CA5407414.